The following is an entry in ClinVar:

NM_022455.5(NSD1):c.4303-1791G>A

Gene: NSD1 (nuclear receptor binding SET domain protein 1; plus strand). Cytogenetic location: 5q35.3.
Variant type: single nucleotide variant.
Coding change: c.4303-1791G>A on transcript NM_022455.5 (MANE Select); 1791 bases into the intron before coding-DNA position 4303, G replaced by A.
Molecular consequence: intron variant.
Genome position (GRCh38, 1-based): chr5:177,242,404, G>A. VCF-style: chr5-177242404-G-A. GRCh37 (hg19) VCF-style: chr5-176669405-G-A.
Other names: c.3883-1791G>A (NM_001409304.1); c.3550-1791G>A (NM_001409305.1); c.3430-1791G>A (NM_001409306.1, NM_001409308.1, NM_001409307.1 and 3 more transcripts); c.4303-1791G>A (NM_001409302.1, NM_001409303.1, NM_001409301.1).
Identifiers: ClinVar variation 4881036 (VCV004881036.2).
Genomic context (GRCh38, chr5:177,242,404, plus strand): 5'-ATTTGCCCATTCATTTTACTTGAAATAGACTTCTGATATATAGTGAACGTGAGGAGAATT[G>A]CAGTCTTATGATTTATTAATATGATAAAATGAGCATTCAGAAATTCACAGCTGTATTTTA-3'

ClinVar aggregate classification (germline): Uncertain significance (1 of 4 stars; one submission).

Conditions:
Sotos syndrome (SOTOS). Also called: CEREBRAL GIGANTISM; Sotos' syndrome; Distinctive facial appearance, overgrowth in childhood, and learning disabilities or delayed development; CHROMOSOME 5q35 DELETION SYNDROME; SOTOS SYNDROME 1. Identifiers: Orphanet 821, MedGen C0175695, MONDO:0019349, OMIM 117550.

Submission:

Dasa
Classification: Uncertain significance for Sotos syndrome. Last evaluated: 2026-04-22. Review status: criteria provided, single submitter. Criteria: DASA Assertion Criteria. Collection method: clinical testing. Allele origin: germline.
Comment: NM_022455.5(NSD1):c.4303-1791G>A is an intronic variant. This variant is absent from population databases. The currently available literature and clinical evidence are not sufficient to establish a definitive association between this variant and the reported condition. Therefore, this variant is classified as a variant of uncertain significance.